The following is an entry in ClinVar:

NM_198578.4(LRRK2):c.2652C>G (p.Asp884Glu)

Gene: LRRK2 (leucine rich repeat kinase 2; plus strand). Cytogenetic location: 12q12.
Variant type: single nucleotide variant.
Coding change: c.2652C>G on transcript NM_198578.4 (MANE Select); coding-DNA position 2652, C replaced by G.
Protein change: p.Asp884Glu; replaces aspartic acid 884 with glutamic acid.
Molecular consequence: missense variant.
Genome position (GRCh38, 1-based): chr12:40,287,502, C>G. VCF-style: chr12-40287502-C-G. GRCh37 (hg19) VCF-style: chr12-40681304-C-G.
Other names: short protein forms D884E.
Identifiers: ClinVar variation 3540764 (VCV003540764.1).

ClinVar aggregate classification (germline): Uncertain significance (1 of 4 stars; one submission).

Conditions:
Inborn genetic diseases. Identifiers: MedGen C0950123, MeSH D030342.

Submission:

Ambry Genetics
Classification: Uncertain significance for Inborn genetic diseases. Last evaluated: 2024-11-02. Review status: criteria provided, single submitter. Criteria: Ambry Variant Classification Scheme 2023. Collection method: clinical testing. Allele origin: germline.
Comment: The p.D884E variant (also known as c.2652C>G), located in coding exon 20 of the LRRK2 gene, results from a C to G substitution at nucleotide position 2652. The aspartic acid at codon 884 is replaced by glutamic acid, an amino acid with highly similar properties. This amino acid position is conserved. In addition, the in silico prediction for this alteration is inconclusive. Based on the available evidence, the clinical significance of this variant remains unclear.